The following is an entry in ClinVar:

ClinVar aggregate classification (germline): Uncertain significance (1 of 4 stars; one submission).

Conditions:
Familial infantile myasthenia (CMS6). Also called: Congenital myasthenic syndrome type 6; MYASTHENIC SYNDROME, PRESYNAPTIC, CONGENITAL, ASSOCIATED WITH EPISODIC APNEA; MYASTHENIC SYNDROME, CONGENITAL, 6, PRESYNAPTIC. Identifiers: Orphanet 590, MedGen C0393929, MONDO:0009689, OMIM 254210.

Allele frequency attached by ClinVar (database versions not stated): gnomAD exomes below 0.00001; ExAC 0.00001; TOPMed 0.00002; gnomAD 0.00003.
gnomAD v4.1: 5 of 1,613,896 alleles (0.00031%); highest among the groups gnomAD compares: African/African-American, 0.0013%; no homozygotes.

Submission:

Labcorp Genetics (formerly Invitae), Labcorp
Classification: Uncertain significance for Familial infantile myasthenia. Last evaluated: 2026-01-11. Review status: criteria provided, single submitter. Criteria: Invitae Variant Classification Sherloc (09022015). Collection method: clinical testing. Allele origin: germline.
Comment: This sequence change replaces isoleucine, which is neutral and non-polar, with valine, which is neutral and non-polar, at codon 559 of the CHAT protein (p.Ile559Val). This variant is present in population databases (rs202040717, gnomAD 0.002%). This variant has not been reported in the literature in individuals affected with CHAT-related conditions. ClinVar contains an entry for this variant (Variation ID: 1398579). Invitae Evidence Modeling of protein sequence and biophysical properties (such as structural, functional, and spatial information, amino acid conservation, physicochemical variation, residue mobility, and thermodynamic stability) indicates that this missense variant is not expected to disrupt CHAT protein function with a negative predictive value of 95%. In summary, the available evidence is currently insufficient to determine the role of this variant in disease. Therefore, it has been classified as a Variant of Uncertain Significance.

NM_020549.5(CHAT):c.1675A>G (p.Ile559Val)

Gene: CHAT (choline O-acetyltransferase; plus strand). Cytogenetic location: 10q11.23.
Variant type: single nucleotide variant.
Coding change: c.1675A>G on transcript NM_020549.5 (MANE Select); coding-DNA position 1675, A replaced by G.
Protein change: p.Ile559Val; replaces isoleucine 559 with valine.
Molecular consequence: missense variant.
Genome position (GRCh38, 1-based): chr10:49,655,135, A>G. VCF-style: chr10-49655135-A-G. GRCh37 (hg19) VCF-style: chr10-50863181-A-G.
Other names: c.1321A>G, p.Ile441Val (NM_001142929.2, NM_001142934.2, NM_020984.4 and 2 more transcripts); c.1429A>G, p.Ile477Val (NM_001142933.2); short protein forms I441V, I477V, I559V.
Identifiers: ClinVar variation 1398579 (VCV001398579.8), dbSNP rs202040717, ClinGen allele CA5497594.